The following is an entry in ClinVar:

ClinVar aggregate classification (germline): Uncertain significance (1 of 4 stars; one submission).

Submission:

Labcorp Genetics (formerly Invitae), Labcorp
Classification: Uncertain significance. Last evaluated: 2026-01-12. Review status: criteria provided, single submitter. Criteria: Invitae Variant Classification Sherloc (09022015). Collection method: clinical testing. Allele origin: germline.
Comment: This sequence change replaces serine, which is neutral and polar, with cysteine, which is neutral and slightly polar, at codon 3030 of the HSPG2 protein (p.Ser3030Cys). This variant is not present in population databases (gnomAD no frequency). This variant has not been reported in the literature in individuals affected with HSPG2-related conditions. ClinVar contains an entry for this variant (Variation ID: 2873483). An algorithm developed to predict the effect of missense changes on protein structure and function (PolyPhen-2) suggests that this variant is likely to be disruptive. In summary, the available evidence is currently insufficient to determine the role of this variant in disease. Therefore, it has been classified as a Variant of Uncertain Significance.

NM_005529.7(HSPG2):c.9088A>T (p.Ser3030Cys)

Gene: HSPG2 (heparan sulfate proteoglycan 2; minus strand). Cytogenetic location: 1p36.12.
Variant type: single nucleotide variant.
Coding change: c.9088A>T on transcript NM_005529.7 (MANE Select); coding-DNA position 9088, A replaced by T.
Protein change: p.Ser3030Cys; replaces serine 3030 with cysteine.
Molecular consequence: missense variant.
Genome position (GRCh38, 1-based): chr1:21,842,107, T>A on the plus strand (A>T on the coding strand, the complement: HSPG2 is on the minus strand). VCF-style: chr1-21842107-T-A. GRCh37 (hg19) VCF-style: chr1-22168600-T-A.
Other names: c.9091A>T, p.Ser3031Cys (NM_001291860.2); short protein forms S3030C, S3031C.
Identifiers: ClinVar variation 2873483 (VCV002873483.3), dbSNP rs2550663022, ClinGen allele CA338915399.